The following is an entry in ClinVar:

NM_001164277.2(SLC37A4):c.1208T>C (p.Ile403Thr)

Gene: SLC37A4 (solute carrier family 37 member 4; minus strand). Cytogenetic location: 11q23.3.
Variant type: single nucleotide variant.
Coding change: c.1208T>C on transcript NM_001164277.2 (MANE Select); coding-DNA position 1208, T replaced by C.
Protein change: p.Ile403Thr; replaces isoleucine 403 with threonine.
Molecular consequence: missense variant.
Genome position (GRCh38, 1-based): chr11:119,024,992, A>G on the plus strand (T>C on the coding strand, the complement: SLC37A4 is on the minus strand). VCF-style: chr11-119024992-A-G. GRCh37 (hg19) VCF-style: chr11-118895702-A-G.
Other names: c.1274T>C, p.Ile425Thr (NM_001164278.2); c.989T>C, p.Ile330Thr (NM_001164279.2); c.1208T>C, p.Ile403Thr (NM_001164280.2, NM_001467.6); short protein forms I403T, I425T, I330T.
Identifiers: ClinVar variation 552223 (VCV000552223.4), dbSNP rs1555190374, ClinGen allele CA382894028.
Genomic context (GRCh38, chr11:119,024,992, plus strand): 5'-CGGCCCATCTTGGTGCGGATGTTTCGTAGGAGGAAGAAGGCAGCCGTGCTGGCCGCACAA[A>G]TCACTTCAGCCACCCAGAAGGCTGTGCTCCAACTGTAGTGCTTGGCAATGGTGCTGAAGG-3'
Protein context (NP_001157749.1, residues 393-413): WSTAFWVAEV[Ile403Thr]CAASTAAFFL

ClinVar aggregate classification (germline): Uncertain significance. Review status: criteria provided, single submitter (1 of 4 stars). 2 submissions from 2 submitters: Uncertain significance (1). 1 of the submissions does not count toward it. Last evaluated 2022-05-30.

Conditions:
Glucose-6-phosphate transport defect (GSD1B). Also called: Glycogen Storage Disease Type Ib; GSD Ib. Identifiers: Orphanet 364, Orphanet 79259, MedGen C0268146, MONDO:0009288, OMIM 232220.

Allele frequency attached by ClinVar (database versions not stated): gnomAD exomes below 0.00001; gnomAD 0.00001; TOPMed 0.00001.

Submissions (2):

Labcorp Genetics (formerly Invitae), Labcorp
Classification: Uncertain significance for Glucose-6-phosphate transport defect. Last evaluated: 2022-05-30. Review status: criteria provided, single submitter. Criteria: Invitae Variant Classification Sherloc (09022015). Collection method: clinical testing. Allele origin: germline.
Comment: This sequence change replaces isoleucine, which is neutral and non-polar, with threonine, which is neutral and polar, at codon 403 of the SLC37A4 protein (p.Ile403Thr). This variant is not present in population databases (gnomAD no frequency). This variant has not been reported in the literature in individuals affected with SLC37A4-related conditions. ClinVar contains an entry for this variant (Variation ID: 552223). Experimental studies and prediction algorithms are not available or were not evaluated, and the functional significance of this variant is currently unknown. In summary, the available evidence is currently insufficient to determine the role of this variant in disease. Therefore, it has been classified as a Variant of Uncertain Significance.

Counsyl
Classification: Uncertain significance for Glucose-6-phosphate transport defect. Last evaluated: 2017-05-30. Review status: no assertion criteria provided. Collection method: clinical testing. Allele origin: unknown. Not counted in ClinVar's aggregate classification.